The following is an entry in ClinVar:

NM_001273.5(CHD4):c.3585G>A (p.Thr1195=)

Gene: CHD4 (chromodomain helicase DNA binding protein 4; minus strand). Cytogenetic location: 12p13.31.
Variant type: single nucleotide variant.
Coding change: c.3585G>A on transcript NM_001273.5 (MANE Select); coding-DNA position 3585, G replaced by A.
Protein change: p.Thr1195=; no amino-acid change (threonine 1195 retained).
Molecular consequence: synonymous variant.
Genome position (GRCh38, 1-based): chr12:6,587,830, C>T on the plus strand (G>A on the coding strand, the complement: CHD4 is on the minus strand). VCF-style: chr12-6587830-C-T. GRCh37 (hg19) VCF-style: chr12-6696996-C-T.
Other names: c.3564G>A, p.Thr1188= (NM_001297553.2); c.3546G>A, p.Thr1182= (NM_001363606.2); c.3585G>A (NM_001273.3).
Identifiers: ClinVar variation 2966857 (VCV002966857.5), dbSNP rs149936307, ClinGen allele CA6411736.

ClinVar aggregate classification (germline): Likely benign. Review status: criteria provided, single submitter (1 of 4 stars). 2 submissions from 2 submitters: Likely benign (1). 1 of the submissions does not count toward it. Last evaluated 2023-05-31.

Conditions:
CHD4-related disorder. Also called: CHD4-related condition.

Allele frequency attached by ClinVar (database versions not stated): ESP Exome Variant Server 0.00023.
gnomAD v4.1: 43 of 1,614,102 alleles (0.0027%); highest among the groups gnomAD compares: African/African-American, 0.051%; no homozygotes.

Submissions (2):

Labcorp Genetics (formerly Invitae), Labcorp
Classification: Likely benign. Last evaluated: 2023-05-31. Review status: criteria provided, single submitter. Criteria: Invitae Variant Classification Sherloc (09022015). Collection method: clinical testing. Allele origin: germline.

PreventionGenetics, part of Exact Sciences
Classification: Likely benign for CHD4-related condition. Last evaluated: 2022-07-21. Review status: no assertion criteria provided. Collection method: clinical testing. Allele origin: germline. Not counted in ClinVar's aggregate classification.
Comment: This variant is classified as likely benign based on ACMG/AMP sequence variant interpretation guidelines (Richards et al. 2015 PMID: 25741868, with internal and published modifications).